The following is an entry in ClinVar:

NM_015705.6(SGSM3):c.1744C>T (p.Leu582Phe)

Gene: SGSM3 (small G protein signaling modulator 3; plus strand). Cytogenetic location: 22q13.1.
Variant type: single nucleotide variant.
Coding change: c.1744C>T on transcript NM_015705.6 (MANE Select); coding-DNA position 1744, C replaced by T.
Protein change: p.Leu582Phe; replaces leucine 582 with phenylalanine.
Molecular consequence: missense variant. On other transcripts: non-coding transcript variant (4).
Genome position (GRCh38, 1-based): chr22:40,408,391, C>T. VCF-style: chr22-40408391-C-T. GRCh37 (hg19) VCF-style: chr22-40804395-C-T.
Other names: c.1744C>T (NM_015705.5); c.1477C>T, p.Leu493Phe (NM_001301849.2); c.1744C>T, p.Leu582Phe (NM_001350039.2, NM_001350040.2, NM_001350041.2); c.1555C>T, p.Leu519Phe (NM_001350042.2, NM_001350044.2, NM_001350045.2); c.1543C>T, p.Leu515Phe (NM_001350043.2, NM_001350046.2, NM_001350047.2); c.1246C>T, p.Leu416Phe (NM_001350048.2); short protein forms L416F, L515F, L519F, L582F, L493F.
Identifiers: ClinVar variation 3440686 (VCV003440686.2).
Genomic context (GRCh38, chr22:40,408,391, plus strand): 5'-GGGACCCTCTGCCCGGCCCTTAAGGCCCTGTTCGAACATGGACTGAAGAAGCCATCCCTG[C>T]TTGGGGGCGCCTGCCACCCCTGGCTGTTTATCGAGGAGGTAAGTCAGTGGCTGGGCCCAT-3'
Protein context (NP_056520.2, residues 572-592): FEHGLKKPSL[Leu582Phe]GGACHPWLFI

ClinVar aggregate classification (germline): Uncertain significance. Review status: criteria provided, multiple submitters, no conflicts (2 of 4 stars). 2 submissions from 2 submitters: Uncertain significance (2). Last evaluated 2025-08-11.

gnomAD v4.1: 1 of 1,613,502 alleles (0.000062%); highest among the groups gnomAD compares: Non-Finnish European, 0.000085%; no homozygotes.

Submissions (2):

GeneDx
Classification: Uncertain significance. Last evaluated: 2025-08-11. Review status: criteria provided, single submitter. Criteria: GeneDx Variant Classification Process June 2021. Collection method: clinical testing. Allele origin: germline. Affected: yes.
Comment: Not observed at significant frequency in large population cohorts (gnomAD); In silico analysis supports that this missense variant has a deleterious effect on protein structure/function; Has not been previously published as pathogenic or benign to our knowledge

Ambry Genetics
Classification: Uncertain significance. Last evaluated: 2024-07-09. Review status: criteria provided, single submitter. Criteria: Ambry Variant Classification Scheme 2023. Collection method: clinical testing. Allele origin: germline.